The following is an entry in ClinVar:

ClinVar aggregate classification (germline): Benign/Likely benign. Review status: criteria provided, multiple submitters, no conflicts (2 of 4 stars). 3 submissions from 3 submitters: Benign (2); Likely benign (1). Last evaluated 2026-02-01.

Allele frequency attached by ClinVar (database versions not stated): gnomAD 0.00021; ESP Exome Variant Server 0.00023; TOPMed 0.00029; 1000 Genomes Project 30x 0.00125; 1000 Genomes Project 0.00140.
gnomAD v4.1: 1,348 of 1,613,686 alleles (0.084%); highest among the groups gnomAD compares: South Asian, 0.95%; 15 homozygotes.

Submissions (3):

CeGaT Center for Human Genetics Tuebingen
Classification: Likely benign. Last evaluated: 2026-02-01. Review status: criteria provided, single submitter. Criteria: CeGaT Center For Human Genetics Tuebingen Variant Classification Criteria Version 2. Collection method: clinical testing. Allele origin: germline. Affected: yes. Observed: 6 variant alleles.
Comment: CACNA1B: BP4, BP7, BS2

Labcorp Genetics (formerly Invitae), Labcorp
Classification: Benign. Last evaluated: 2026-01-19. Review status: criteria provided, single submitter. Criteria: Invitae Variant Classification Sherloc (09022015). Collection method: clinical testing. Allele origin: germline.

Breakthrough Genomics
Classification: Benign. Review status: criteria provided, single submitter. Criteria: ACMG Guidelines, 2015. Collection method: not provided. Allele origin: germline. Inheritance: Autosomal recessive inheritance. Affected: yes.

NM_000718.4(CACNA1B):c.3441G>T (p.Val1147=)

Gene: CACNA1B (calcium voltage-gated channel subunit alpha1 B; plus strand). Cytogenetic location: 9q34.3.
Variant type: single nucleotide variant.
Coding change: c.3441G>T on transcript NM_000718.4 (MANE Select); coding-DNA position 3441, G replaced by T.
Protein change: p.Val1147=; no amino-acid change (valine 1147 retained).
Molecular consequence: synonymous variant.
Genome position (GRCh38, 1-based): chr9:138,046,931, G>T. VCF-style: chr9-138046931-G-T. GRCh37 (hg19) VCF-style: chr9-140941383-G-T.
Other names: c.3441G>T, p.Val1147= (NM_001243812.2).
Identifiers: ClinVar variation 739695 (VCV000739695.34), dbSNP rs201992929, ClinGen allele CA5376685.